The following is an entry in ClinVar:

ClinVar aggregate classification (germline): Uncertain significance (1 of 4 stars; one submission).

Conditions:
Short-rib thoracic dysplasia 8 with or without polydactyly (SRTD8). Also called: SHORT-RIB THORACIC DYSPLASIA 8 WITH POLYDACTYLY. Identifiers: Orphanet 93271, MedGen C3809691, MONDO:0014214, OMIM 615503.

Allele frequency attached by ClinVar (database versions not stated): TOPMed 0.00001.
gnomAD v4.1: 18 of 1,610,858 alleles (0.0011%); highest among the groups gnomAD compares: Non-Finnish European, 0.0014%; no homozygotes.

Submission:

Labcorp Genetics (formerly Invitae), Labcorp
Classification: Uncertain significance for Short-rib thoracic dysplasia 8 with or without polydactyly. Last evaluated: 2021-08-24. Review status: criteria provided, single submitter. Criteria: Invitae Variant Classification Sherloc (09022015). Collection method: clinical testing. Allele origin: germline.
Comment: This sequence change replaces arginine with glycine at codon 223 of the WDR60 protein (p.Arg223Gly). The arginine residue is moderately conserved and there is a moderate physicochemical difference between arginine and glycine. This variant is not present in population databases (ExAC no frequency). This variant has not been reported in the literature in individuals affected with WDR60-related conditions. Algorithms developed to predict the effect of missense changes on protein structure and function are either unavailable or do not agree on the potential impact of this missense change (SIFT: "Deleterious"; PolyPhen-2: "Benign"; Align-GVGD: "Class C0"). In summary, the available evidence is currently insufficient to determine the role of this variant in disease. Therefore, it has been classified as a Variant of Uncertain Significance.

NM_018051.5(DYNC2I1):c.667C>G (p.Arg223Gly)

Gene: DYNC2I1 (dynein 2 intermediate chain 1; plus strand). Cytogenetic location: 7q36.3.
Variant type: single nucleotide variant.
Coding change: c.667C>G on transcript NM_018051.5 (MANE Select); coding-DNA position 667, C replaced by G.
Protein change: p.Arg223Gly; replaces arginine 223 with glycine.
Molecular consequence: missense variant. On other transcripts: 5 prime UTR variant (3).
Genome position (GRCh38, 1-based): chr7:158,879,777, C>G. VCF-style: chr7-158879777-C-G. GRCh37 (hg19) VCF-style: chr7-158672468-C-G.
Other names: c.529C>G, p.Arg177Gly (NM_001350914.2); c.150C>G, p.Ile50Met (NM_001350915.2); c.-692C>G (NM_001350916.2); c.-700C>G (NM_001350917.2); c.-819C>G (NM_001350918.2); short protein forms R177G, I50M, R223G.
Identifiers: ClinVar variation 957105 (VCV000957105.6), dbSNP rs760704544, ClinGen allele CA370180208.